The following is an entry in ClinVar:

NM_002432.3(MNDA):c.289G>A (p.Glu97Lys)

Gene: MNDA (myeloid cell nuclear differentiation antigen; plus strand). Cytogenetic location: 1q23.1.
Variant type: single nucleotide variant.
Coding change: c.289G>A on transcript NM_002432.3 (MANE Select); coding-DNA position 289, G replaced by A.
Protein change: p.Glu97Lys; replaces glutamic acid 97 with lysine.
Molecular consequence: missense variant.
Genome position (GRCh38, 1-based): chr1:158,843,302, G>A. VCF-style: chr1-158843302-G-A. GRCh37 (hg19) VCF-style: chr1-158813092-G-A.
Other names: short protein forms E97K.
Identifiers: ClinVar variation 3222183 (VCV003222183.1), dbSNP rs2526078977, ClinGen allele CA343038500.

ClinVar aggregate classification (germline): Uncertain significance (1 of 4 stars; one submission).

Submission:

Ambry Genetics
Classification: Uncertain significance. Last evaluated: 2024-02-27. Review status: criteria provided, single submitter. Criteria: Ambry Variant Classification Scheme 2023. Collection method: clinical testing. Allele origin: germline.
Comment: The p.E97K variant (also known as c.289G>A), located in coding exon 2 of the MNDA gene, results from a G to A substitution at nucleotide position 289. The glutamic acid at codon 97 is replaced by lysine, an amino acid with similar properties. This amino acid position is conserved. In addition, this alteration is predicted to be tolerated by in silico analysis. Based on the available evidence, the clinical significance of this alteration remains unclear.